The following is an entry in ClinVar:

ClinVar aggregate classification (germline): Conflicting classifications of pathogenicity. Review status: criteria provided, conflicting classifications (1 of 4 stars). 6 submissions from 5 submitters: Uncertain significance (3); Likely benign (3). Last evaluated 2025-05-17.

Conditions:
Inborn genetic diseases. Identifiers: MedGen C0950123, MeSH D030342.
Developmental and epileptic encephalopathy, 14 (DEE14). Also called: Early infantile epileptic encephalopathy 14. Identifiers: Orphanet 293181, MedGen C3554195, MONDO:0013989, OMIM 614959.
Autosomal dominant nocturnal frontal lobe epilepsy 5. Also called: CILIARY DYSKINESIA, PRIMARY, 28, WITH SITUS INVERSUS; Epilepsy, nocturnal frontal lobe, 5; CILIARY DYSKINESIA, PRIMARY, 28, WITHOUT SITUS INVERSUS; KCNT1-Related Epilepsy. Identifiers: Orphanet 98784, MedGen C3554306, MONDO:0014002, OMIM 615005.

Allele frequency attached by ClinVar (database versions not stated): TOPMed 0.00002; gnomAD exomes 0.00003; gnomAD 0.00002.
gnomAD v4.1: 41 of 1,613,568 alleles (0.0025%); highest among the groups gnomAD compares: East Asian, 0.011%; no homozygotes.

Submissions (6):

Labcorp Genetics (formerly Invitae), Labcorp
Classification: Likely benign for Autosomal dominant nocturnal frontal lobe epilepsy 5; Developmental and epileptic encephalopathy, 14. Last evaluated: 2025-05-17. Review status: criteria provided, single submitter. Criteria: Invitae Variant Classification Sherloc (09022015). Collection method: clinical testing. Allele origin: germline.

Ambry Genetics
Classification: Likely benign for Inborn genetic diseases. Last evaluated: 2024-08-20. Review status: criteria provided, single submitter. Criteria: Ambry Variant Classification Scheme 2023. Collection method: clinical testing. Allele origin: germline.

CeGaT Center for Human Genetics Tuebingen
Classification: Likely benign. Last evaluated: 2024-08-01. Review status: criteria provided, single submitter. Criteria: CeGaT Center For Human Genetics Tuebingen Variant Classification Criteria Version 2. Collection method: clinical testing. Allele origin: germline. Affected: yes. Observed: 1 variant allele.
Comment: KCNT1: BP4

Genome-Nilou Lab
Classification: Uncertain significance for Developmental and epileptic encephalopathy, 14. Last evaluated: 2022-03-15. Review status: criteria provided, single submitter. Criteria: ACMG Guidelines, 2015. Collection method: clinical testing. Allele origin: germline. Affected: no.

Genome-Nilou Lab
Classification: Uncertain significance for Autosomal dominant nocturnal frontal lobe epilepsy 5. Last evaluated: 2022-03-15. Review status: criteria provided, single submitter. Criteria: ACMG Guidelines, 2015. Collection method: clinical testing. Allele origin: germline. Affected: no.

Eurofins Ntd Llc (ga)
Classification: Uncertain significance. Last evaluated: 2014-09-08. Review status: criteria provided, single submitter. Criteria: EGL Classification Definitions 2015. Collection method: clinical testing. Allele origin: germline. Observed: 2 variant alleles, 2 heterozygotes.

NM_020822.3(KCNT1):c.1927C>T (p.Arg643Trp)

Gene: KCNT1 (potassium sodium-activated channel subfamily T member 1; plus strand). Cytogenetic location: 9q34.3.
Variant type: single nucleotide variant.
Coding change: c.1927C>T on transcript NM_020822.3 (MANE Select); coding-DNA position 1927, C replaced by T.
Protein change: p.Arg643Trp; replaces arginine 643 with tryptophan.
Molecular consequence: missense variant.
Genome position (GRCh38, 1-based): chr9:135,771,014, C>T. VCF-style: chr9-135771014-C-T. GRCh37 (hg19) VCF-style: chr9-138662860-C-T.
Other names: c.1792C>T, p.Arg598Trp (NM_001272003.2); short protein forms R643W, R598W.
Identifiers: ClinVar variation 194883 (VCV000194883.30), dbSNP rs532620254, ClinGen allele CA241088.